The following is an entry in ClinVar:

ClinVar aggregate classification (germline): Conflicting classifications of pathogenicity. Review status: criteria provided, conflicting classifications (1 of 4 stars). 3 submissions from 3 submitters: Likely pathogenic (2); Uncertain significance (1). Last evaluated 2025-09-25.

Conditions:
Lethal congenital contractural syndrome Finnish type.
GLE1-related disorder. Also called: GLE1-related condition; GLE1-related disorders.
Lethal arthrogryposis-anterior horn cell disease syndrome (CAAHD). Also called: CONGENITAL ARTHROGRYPOSIS WITH ANTERIOR HORN CELL DISEASE. Identifiers: Orphanet 53696, MedGen C5193016, MONDO:0012750, OMIM 611890.
Lethal congenital contracture syndrome 1 (LCCS1). Also called: MULTIPLE CONTRACTURE SYNDROME, FINNISH TYPE. Identifiers: Orphanet 1486, MedGen C1854664, MONDO:0009670, OMIM 253310.

gnomAD v4.1: 26 of 1,546,336 alleles (0.0017%); highest among the groups gnomAD compares: Non-Finnish European, 0.0021%; no homozygotes.

Submissions (4):

Natera, Inc.
Classification: Likely pathogenic for Lethal congenital contractural syndrome Finnish type. Last evaluated: 2025-09-25. Review status: criteria provided, single submitter. Criteria: Natera Variant Classification Schema (03/2026). Collection method: clinical testing. Allele origin: germline.
Comment: The c.2029-1G>A variant in GLE1 is a canonical splice acceptor site variant predicted to affect pre-mRNA splicing, which may result in an abnormal transcript and altered protein product. This variant is expected to result in nonsense mediated decay, truncation, or a dysfunctional protein product. This variant is rare in the general population with a frequency below the threshold expected for the associated phenotype(s). Given the available evidence, this variant is classified as Likely Pathogenic.

PreventionGenetics, part of Exact Sciences
Classification: Uncertain significance for GLE1-related condition. Last evaluated: 2025-09-24. Review status: criteria provided, single submitter. Criteria: ACMG Guidelines, 2015. Collection method: clinical testing. Allele origin: germline.
Comment: The GLE1 c.2029-1G>A variant is predicted to disrupt the AG splice acceptor site and interfere with normal splicing. To our knowledge, this variant has not been reported in the literature. This variant is predicted to significantly weaken the canonical splice acceptor site; however, it is difficult to predict the biological impact of this variant given the expression of two hGle1 isoforms. Of note, this splice variant occurs at the acceptor splice site of the last exon (exon 16) of GLE1 and may escape nonsense mediated decay (Lindeboom et al. 2016. PubMed ID:27618451). This variant is reported in 0.0040% of alleles in individuals of African descent in gnomAD. Although we suspect that this variant may be pathogenic, at this time, the clinical significance of this variant is uncertain due to the absence of conclusive functional and genetic evidence.

Fulgent Genetics
Classification: Likely pathogenic for Lethal congenital contracture syndrome 1; Lethal arthrogryposis-anterior horn cell disease syndrome. Last evaluated: 2024-02-29. Review status: criteria provided, single submitter. Criteria: ACMG Guidelines, 2015. Collection method: clinical testing. Allele origin: germline.

Dr. Peter K. Rogan Lab, Western University
No classification provided (evidence only). Condition: Cervical cancer. Review status: no classification provided. Collection method: in vitro. Allele origin: not applicable. Functional consequence: retained intron. Not counted in ClinVar's aggregate classification.

NM_001003722.2(GLE1):c.2029-1G>A

Genes: GLE1 (GLE1 RNA export mediator; plus strand), LOC101929270 (uncharacterized LOC101929270; minus strand). Cytogenetic location: 9q34.11.
Variant type: single nucleotide variant.
Coding change: c.2029-1G>A on transcript NM_001003722.2 (MANE Select); the canonical splice acceptor site of the intron before coding-DNA position 2029, G replaced by A.
Molecular consequence: splice acceptor variant.
Genome position (GRCh38, 1-based): chr9:128,541,101, G>A. VCF-style: chr9-128541101-G-A. GRCh37 (hg19) VCF-style: chr9-131303380-G-A.
Other names: NC_000009.11:g.131303380G>A; c.2029-1G>A (NM_001003722.1); c.2056-1G>A (NM_001411013.1).
Identifiers: ClinVar variation 3596474 (VCV003596474.4).